The following is an entry in ClinVar:

NM_000374.5(UROD):c.264TGT[1] (p.Val90del)

Gene: UROD (uroporphyrinogen decarboxylase; plus strand). Cytogenetic location: 1p34.1.
Variant type: Microsatellite.
Coding change: c.264TGT[1] on transcript NM_000374.5 (MANE Select); one copy of the 3-base unit TGT starting at c.264; the reference has two copies in a row; one copy, 3 bases deleted.
Protein change: p.Val90del; deletes valine 90.
Molecular consequence: inframe deletion. On other transcripts: non-coding transcript variant (3).
Genome position (GRCh38, 1-based): chr1:45,013,345-45,013,347, TGT deleted; deleting any 3 consecutive bases within chr1:45,013,341-45,013,347 gives the same sequence; the position shown is the placement nearest the transcript's 3' end. VCF-style (leftmost placement, unchanged base first): chr1-45013340-CTTG-C. GRCh37 (hg19) VCF-style: chr1-45479012-CTTG-C.
Other names: c.267_269delTGT (NM_000374.4); short protein forms V90del.
Identifiers: ClinVar variation 2733888 (VCV002733888.4), dbSNP rs1463137951, ClinGen allele CA522810179.

ClinVar aggregate classification (germline): Likely pathogenic. Review status: criteria provided, multiple submitters, no conflicts (2 of 4 stars). 2 submissions from 2 submitters: Likely pathogenic (2). Last evaluated 2026-08-19.

Conditions:
UROD-related disorder. Also called: UROD-related disorders; UROD-related condition.

Submissions (2):

PreventionGenetics, part of Exact Sciences
Classification: Likely pathogenic for UROD-related condition. Last evaluated: 2026-08-19. Review status: criteria provided, single submitter. Criteria: ACMG Guidelines, 2015. Collection method: clinical testing. Allele origin: germline.
Comment: The UROD c.267_269delTGT variant is predicted to result in an in-frame deletion (p.Val90del). This variant was reported in two individuals with porphyria cutanea tarda (Méndez et al. 2012. PubMed ID: 22382040). This variant is reported in 0.0040% of alleles in individuals of African descent in gnomAD. This variant is interpreted as likely pathogenic.

Labcorp Genetics (formerly Invitae), Labcorp
Classification: Likely pathogenic. Last evaluated: 2024-07-21. Review status: criteria provided, single submitter. Criteria: Invitae Variant Classification Sherloc (09022015). Collection method: clinical testing. Allele origin: germline.
Comment: This variant, c.267_269del, results in the deletion of 1 amino acid(s) of the UROD protein (p.Val90del), but otherwise preserves the integrity of the reading frame. This variant is present in population databases (no rsID available, gnomAD 0.004%). This variant has been observed in individual(s) with porphyria cutanea tarda (PMID: 22382040). Algorithms developed to predict the effect of variants on gene product structure and function are not available or were not evaluated for this variant. Experimental studies have shown that this variant affects UROD function (PMID: 22382040). In summary, the currently available evidence indicates that the variant is pathogenic, but additional data are needed to prove that conclusively. Therefore, this variant has been classified as Likely Pathogenic.

Literature cited by the submitters: PubMed 22382040 (cited by Labcorp Genetics (formerly Invitae), Labcorp).